The following is an entry in ClinVar:

ClinVar aggregate classification (germline): Uncertain significance (1 of 4 stars; one submission).

Conditions:
Hereditary cancer-predisposing syndrome. Also called: Neoplastic Syndromes, Hereditary; Tumor predisposition; Hereditary Cancer Syndrome; Hereditary neoplastic syndrome. Identifiers: Orphanet 140162, MedGen C0027672, MeSH D009386, MONDO:0015356.

Submission:

Ambry Genetics
Classification: Uncertain significance for Hereditary cancer-predisposing syndrome. Last evaluated: 2022-08-01. Review status: criteria provided, single submitter. Criteria: Ambry Variant Classification Scheme 2023. Collection method: clinical testing. Allele origin: germline.
Comment: The p.L411V variant (also known as c.1231C>G), located in coding exon 5 of the AXIN2 gene, results from a C to G substitution at nucleotide position 1231. The leucine at codon 411 is replaced by valine, an amino acid with highly similar properties. This amino acid position is conserved. In addition, this alteration is predicted to be tolerated by in silico analysis. Since supporting evidence is limited at this time, the clinical significance of this alteration remains unclear.

NM_004655.4(AXIN2):c.1231C>G (p.Leu411Val)

Gene: AXIN2 (axin 2; minus strand). Cytogenetic location: 17q24.1.
Variant type: single nucleotide variant.
Coding change: c.1231C>G on transcript NM_004655.4 (MANE Select); coding-DNA position 1231, C replaced by G.
Protein change: p.Leu411Val; replaces leucine 411 with valine.
Molecular consequence: missense variant.
Genome position (GRCh38, 1-based): chr17:65,537,805, G>C on the plus strand (C>G on the coding strand, the complement: AXIN2 is on the minus strand). VCF-style: chr17-65537805-G-C. GRCh37 (hg19) VCF-style: chr17-63533923-G-C.
Other names: c.1231C>G, p.Leu411Val (NM_001363813.1); short protein forms L411V.
Identifiers: ClinVar variation 1755663 (VCV001755663.2), dbSNP rs1598099711, ClinGen allele CA400677913.
Genomic context (GRCh38, chr17:65,537,805, plus strand): 5'-AGCTGCCGGAGGGCAGTAGGGAGAGGGGGTGCTGCGTGGGCGCCCCCTCCCGCGAATTGA[G>C]TGTGAGCTCGGAGCCCTCTCTCTCTTCATCCTGAAAGGGAAGACGTCAGAAGGAGAAGTG-3'
Protein context (NP_004646.3, residues 401-421): DEEREGSELT[Leu411Val]NSREGAPTQH